The following is an entry in ClinVar:

NM_000059.4(BRCA2):c.1910-952C>T

Gene: BRCA2 (BRCA2 DNA repair associated; plus strand). Cytogenetic location: 13q13.1.
Variant type: single nucleotide variant.
Coding change: c.1910-952C>T on transcript NM_000059.4 (MANE Select); 952 bases into the intron before coding-DNA position 1910, C replaced by T.
Molecular consequence: intron variant.
Genome position (GRCh38, 1-based): chr13:32,335,313, C>T. VCF-style: chr13-32335313-C-T. GRCh37 (hg19) VCF-style: chr13-32909450-C-T.
Other names: IVS 10-952C>T.
Identifiers: ClinVar variation 209681 (VCV000209681.1), dbSNP rs11571648, ClinGen allele CA276650.

ClinVar aggregate classification (germline): Benign (3 of 4 stars; one submission).

Conditions:
Breast-ovarian cancer, familial, susceptibility to, 2 (BROVCA2). Also called: BRCA2 Hereditary Breast and Ovarian Cancer. Identifiers: Orphanet 145, MedGen C2675520, MONDO:0012933, OMIM 612555. Disease mechanism: loss of function.

Allele frequency attached by ClinVar (database versions not stated): 1000 Genomes Project 0.00579; gnomAD 0.00590 and 0.00644; 1000 Genomes Project 30x 0.00656; TOPMed 0.00659.
gnomAD v4.1: 877 of 150,440 alleles (0.58%); highest among the groups gnomAD compares: African/African-American, 2.1%; 8 homozygotes.

Submission:

Evidence-based Network for the Interpretation of Germline Mutant Alleles (ENIGMA)
Classification: Benign for Breast-ovarian cancer, familial 2. Last evaluated: 2015-01-12. Review status: reviewed by expert panel. Criteria: ENIGMA BRCA1/2 Classification Criteria (2015). Collection method: curation. Allele origin: germline.
Comment: Class 1 not pathogenic based on frequency >1% in an outbred sampleset. Frequency 0.01626 (African), derived from 1000 genomes (2012-04-30).